The following is an entry in ClinVar:

NM_000252.3(MTM1):c.1487T>C (p.Val496Ala)

Gene: MTM1 (myotubularin 1; plus strand). Cytogenetic location: Xq28.
Variant type: single nucleotide variant.
Coding change: c.1487T>C on transcript NM_000252.3 (MANE Select); coding-DNA position 1487, T replaced by C.
Protein change: p.Val496Ala; replaces valine 496 with alanine.
Molecular consequence: missense variant.
Genome position (GRCh38, 1-based): chrX:150,663,452, T>C. VCF-style: chrX-150663452-T-C. GRCh37 (hg19) VCF-style: chrX-149831925-T-C.
Other names: c.1487T>C, p.Val496Ala (NM_001376906.1, NM_001376908.1); c.1376T>C, p.Val459Ala (NM_001376907.1); short protein forms V459A, V496A.
Identifiers: ClinVar variation 4282270 (VCV004282270.1).
Genomic context (GRCh38, chrX:150,663,452, plus strand): 5'-TTTACTTAGGCTCTCCACTTTCTCTCTCTGTCTCTCTGTAGAAGGTTACAGAAAGGACTG[T>C]TTCTTTATGGTCACTGATAAACAGTAATAAAGAAAAATTCAAAAACCCCTTCTATACTAA-3'
Protein context (NP_000243.1, residues 486-506): RERQKVTERT[Val496Ala]SLWSLINSNK

ClinVar aggregate classification (germline): Uncertain significance (1 of 4 stars; one submission).

Submission:

GeneDx
Classification: Uncertain significance. Last evaluated: 2025-04-16. Review status: criteria provided, single submitter. Criteria: GeneDx Variant Classification Process June 2021. Collection method: clinical testing. Allele origin: germline. Affected: yes.
Comment: Not observed at significant frequency in large population cohorts (gnomAD); In silico analysis supports that this missense variant has a deleterious effect on protein structure/function; Has not been previously published as pathogenic or benign to our knowledge